The following is an entry in ClinVar:

ClinVar aggregate classification (germline): Conflicting classifications of pathogenicity. Review status: criteria provided, conflicting classifications (1 of 4 stars). 7 submissions from 7 submitters: Uncertain significance (1); Benign (3); Likely benign (3). Last evaluated 2026-03-30.

Conditions:
CFH-Related Dense Deposit Disease / Membranoproliferative Glomerulonephritis Type II. Identifiers: MedGen CN071292.

Allele frequency attached by ClinVar (database versions not stated): ESP Exome Variant Server 0.00069; gnomAD exomes 0.00070 and 0.00118; gnomAD 0.00076 and 0.00084; TOPMed 0.00102; 1000 Genomes Project 0.00120; ExAC 0.00120; 1000 Genomes Project 30x 0.00141.
gnomAD v4.1: 1,203 of 1,609,644 alleles (0.075%); highest among the groups gnomAD compares: Middle Eastern, 0.68%; 1 homozygote.

Submissions (7):

Women's Health and Genetics/Laboratory Corporation of America, LabCorp
Classification: Likely benign. Last evaluated: 2026-03-30. Review status: criteria provided, single submitter. Criteria: LabCorp Variant Classification Summary - May 2015. Collection method: clinical testing. Allele origin: germline.

Labcorp Genetics (formerly Invitae), Labcorp
Classification: Benign. Last evaluated: 2025-11-03. Review status: criteria provided, single submitter. Criteria: Invitae Variant Classification Sherloc (09022015). Collection method: clinical testing. Allele origin: germline.

Blueprint Genetics
Classification: Likely benign. Last evaluated: 2024-11-22. Review status: criteria provided, single submitter. Criteria: ACMG Guidelines, 2015. Collection method: clinical testing. Allele origin: germline.

CeGaT Center for Human Genetics Tuebingen
Classification: Benign. Last evaluated: 2024-10-01. Review status: criteria provided, single submitter. Criteria: CeGaT Center For Human Genetics Tuebingen Variant Classification Criteria Version 2. Collection method: clinical testing. Allele origin: germline. Affected: yes. Observed: 3 variant alleles.
Comment: CFHR5: BP4, BS1, BS2

Mayo Clinic Laboratories, Mayo Clinic
Classification: Likely benign. Last evaluated: 2024-02-06. Review status: criteria provided, single submitter. Criteria: ACMG Guidelines, 2015. Collection method: clinical testing. Allele origin: germline. Observed: 9 variant alleles.
Comment: BS1, BS4, BP4

Genetic Services Laboratory, University of Chicago
Classification: Benign. Last evaluated: 2019-09-09. Review status: criteria provided, single submitter. Criteria: ACMG Guidelines, 2015. Collection method: clinical testing. Allele origin: germline. Affected: no.

Illumina Laboratory Services, Illumina
Classification: Uncertain significance for Membranoproliferative glomerulonephritis with complement factor h deficiency. Last evaluated: 2017-04-27. Review status: criteria provided, single submitter. Criteria: ICSL Variant Classification Criteria 13 December 2019. Collection method: clinical testing. Allele origin: germline.

Literature cited by the submitters: PubMed 34748552 (cited by Mayo Clinic Laboratories, Mayo Clinic).

NM_030787.4(CFHR5):c.432A>T (p.Lys144Asn)

Gene: CFHR5 (complement factor H related 5; plus strand). Cytogenetic location: 1q31.3.
Variant type: single nucleotide variant.
Coding change: c.432A>T on transcript NM_030787.4 (MANE Select); coding-DNA position 432, A replaced by T.
Protein change: p.Lys144Asn; replaces lysine 144 with asparagine.
Molecular consequence: missense variant.
Genome position (GRCh38, 1-based): chr1:196,994,081, A>T. VCF-style: chr1-196994081-A-T. GRCh37 (hg19) VCF-style: chr1-196963211-A-T.
Other names: p.Lys144Asn; short protein forms K144N.
Identifiers: ClinVar variation 876518 (VCV000876518.41), dbSNP rs181511327, ClinGen allele CA1307751.